The following is an entry in ClinVar:

ClinVar aggregate classification (germline): Uncertain significance (1 of 4 stars; one submission).

Conditions:
Inborn genetic diseases. Identifiers: MedGen C0950123, MeSH D030342.

gnomAD v4.1: 2 of 1,614,110 alleles (0.00012%); highest among the groups gnomAD compares: East Asian, 0.0045%; no homozygotes.

Submission:

Ambry Genetics
Classification: Uncertain significance for Inborn genetic diseases. Last evaluated: 2025-11-12. Review status: criteria provided, single submitter. Criteria: Ambry Variant Classification Scheme 2023. Collection method: clinical testing. Allele origin: germline.
Comment: The p.N804K variant (also known as c.2412C>G), located in coding exon 8 of the MECOM gene, results from a C to G substitution at nucleotide position 2412. The asparagine at codon 804 is replaced by lysine, an amino acid with similar properties. This amino acid position is conserved. In addition, this alteration is predicted to be tolerated by in silico analysis. Based on the available evidence, the clinical significance of this variant remains unclear.

NM_004991.4(MECOM):c.2412C>G (p.Asn804Lys)

Gene: MECOM (MDS1 and EVI1 complex locus; minus strand). Cytogenetic location: 3q26.2.
Variant type: single nucleotide variant.
Coding change: c.2412C>G on transcript NM_004991.4 (MANE Select); coding-DNA position 2412, C replaced by G.
Protein change: p.Asn804Lys; replaces asparagine 804 with lysine.
Molecular consequence: missense variant.
Genome position (GRCh38, 1-based): chr3:169,115,460, G>C on the plus strand (C>G on the coding strand, the complement: MECOM is on the minus strand). VCF-style: chr3-169115460-G-C. GRCh37 (hg19) VCF-style: chr3-168833248-G-C.
Other names: c.2043C>G, p.Asn681Lys (NM_001105077.4); c.1848C>G, p.Asn616Lys (NM_001105078.4, NM_001164000.2, NM_001205194.2 and 4 more transcripts); c.1851C>G, p.Asn617Lys (NM_001163999.2, NM_001366467.2, NM_001366468.2 and 1 more transcripts); c.2412C>G, p.Asn804Lys (NM_001366466.2); c.1440C>G, p.Asn480Lys (NM_001366473.2); c.876C>G, p.Asn292Lys (NM_001366474.2); short protein forms N480K, N681K, N616K, N292K, N617K, N804K.
Identifiers: ClinVar variation 4624693 (VCV004624693.1).